The following is an entry in ClinVar:

NM_016011.5(MECR):c.246C>T (p.Ile82=)

Gene: MECR (mitochondrial trans-2-enoyl-CoA reductase; minus strand). Cytogenetic location: 1p35.3.
Variant type: single nucleotide variant.
Coding change: c.246C>T on transcript NM_016011.5 (MANE Select); coding-DNA position 246, C replaced by T.
Protein change: p.Ile82=; no amino-acid change (isoleucine 82 retained).
Molecular consequence: synonymous variant. On other transcripts: non-coding transcript variant (4).
Genome position (GRCh38, 1-based): chr1:29,216,616, G>A on the plus strand (C>T on the coding strand, the complement: MECR is on the minus strand). VCF-style: chr1-29216616-G-A. GRCh37 (hg19) VCF-style: chr1-29543128-G-A.
Other names: c.18C>T, p.Ile6= (NM_001024732.4, NM_001349711.2, NM_001349712.2 and 2 more transcripts); c.351C>T, p.Ile117= (NM_001349715.2); c.330C>T, p.Ile110= (NM_001349716.2); c.96C>T, p.Ile32= (NM_001349717.2).
Identifiers: ClinVar variation 1710880 (VCV001710880.5), dbSNP rs1373550452, ClinGen allele CA416869360.

ClinVar aggregate classification (germline): Conflicting classifications of pathogenicity. Review status: criteria provided, conflicting classifications (1 of 4 stars). 2 submissions from 2 submitters: Uncertain significance (1); Likely benign (1). Last evaluated 2025-10-09.

Allele frequency attached by ClinVar (database versions not stated): gnomAD exomes 0.00001; TOPMed below 0.00001.
gnomAD v4.1: 8 of 1,614,224 alleles (0.0005%); highest among the groups gnomAD compares: Non-Finnish European, 0.00059%; no homozygotes.

Submissions (2):

Labcorp Genetics (formerly Invitae), Labcorp
Classification: Likely benign. Last evaluated: 2025-10-09. Review status: criteria provided, single submitter. Criteria: Invitae Variant Classification Sherloc (09022015). Collection method: clinical testing. Allele origin: germline.

GeneDx
Classification: Uncertain significance. Last evaluated: 2022-04-13. Review status: criteria provided, single submitter. Criteria: GeneDx Variant Classification Process June 2021. Collection method: clinical testing. Allele origin: germline. Affected: yes.
Comment: Not observed at significant frequency in large population cohorts (gnomAD); In silico analysis supports that this variant does not alter splicing; Has not been previously published as pathogenic or benign to our knowledge